The following is an entry in ClinVar:

ClinVar aggregate classification (germline): Uncertain significance. Review status: criteria provided, multiple submitters, no conflicts (2 of 4 stars). 2 submissions from 2 submitters: Uncertain significance (2). Last evaluated 2025-03-11.

Conditions:
COG5-congenital disorder of glycosylation. Also called: CDG IIi; CONGENITAL DISORDER OF GLYCOSYLATION, TYPE IIi; COG5-CDG. Identifiers: Orphanet 263487, MedGen C3150876, MONDO:0013325, OMIM 613612.
Inborn genetic diseases. Identifiers: MedGen C0950123, MeSH D030342.

Allele frequency attached by ClinVar (database versions not stated): gnomAD exomes below 0.00001.

Submissions (2):

Ambry Genetics
Classification: Uncertain significance for Inborn genetic diseases. Last evaluated: 2025-03-11. Review status: criteria provided, single submitter. Criteria: Ambry Variant Classification Scheme 2023. Collection method: clinical testing. Allele origin: germline.

Labcorp Genetics (formerly Invitae), Labcorp
Classification: Uncertain significance for COG5-congenital disorder of glycosylation. Last evaluated: 2022-06-29. Review status: criteria provided, single submitter. Criteria: Invitae Variant Classification Sherloc (09022015). Collection method: clinical testing. Allele origin: germline.
Comment: In summary, the available evidence is currently insufficient to determine the role of this variant in disease. Therefore, it has been classified as a Variant of Uncertain Significance. Algorithms developed to predict the effect of missense changes on protein structure and function (SIFT, PolyPhen-2, Align-GVGD) all suggest that this variant is likely to be tolerated. This variant has not been reported in the literature in individuals affected with COG5-related conditions. This variant is present in population databases (no rsID available, gnomAD 0.0009%). This sequence change replaces alanine, which is neutral and non-polar, with valine, which is neutral and non-polar, at codon 634 of the COG5 protein (p.Ala634Val).

NM_006348.5(COG5):c.1808C>T (p.Ala603Val)

Gene: COG5 (component of oligomeric golgi complex 5; minus strand). Cytogenetic location: 7q22.3.
Variant type: single nucleotide variant.
Coding change: c.1808C>T on transcript NM_006348.5 (MANE Select); coding-DNA position 1808, C replaced by T.
Protein change: p.Ala603Val; replaces alanine 603 with valine.
Molecular consequence: missense variant.
Genome position (GRCh38, 1-based): chr7:107,248,441, G>A on the plus strand (C>T on the coding strand, the complement: COG5 is on the minus strand). VCF-style: chr7-107248441-G-A. GRCh37 (hg19) VCF-style: chr7-106888886-G-A.
Other names: c.1901C>T (NM_006348.3); c.1808C>T, p.Ala603Val (NM_001161520.2, NM_001379513.1, NM_001379514.1); c.1646C>T, p.Ala549Val (NM_001379511.1); c.1634C>T, p.Ala545Val (NM_001379512.1); c.1238C>T, p.Ala413Val (NM_001379515.1); c.1094C>T, p.Ala365Val (NM_001379516.1); c.1745C>T, p.Ala582Val (NM_181733.4); short protein forms A603V, A549V, A582V, A413V, A365V, A545V.
Identifiers: ClinVar variation 2154266 (VCV002154266.3), dbSNP rs1408355311, ClinGen allele CA368940386.